The following is an entry in ClinVar:

ClinVar aggregate classification (germline): Uncertain significance (1 of 4 stars; one submission).

Conditions:
Ulnar-mammary syndrome (UMS). Also called: Ulnar-mammary syndrome of Pallister; PALLISTER ULNAR-MAMMARY SYNDROME; SCHINZEL SYNDROME. Identifiers: Orphanet 3138, MedGen C1866994, MONDO:0008411, OMIM 181450.

Submission:

Labcorp Genetics (formerly Invitae), Labcorp
Classification: Uncertain significance for Ulnar-mammary syndrome. Last evaluated: 2024-10-23. Review status: criteria provided, single submitter. Criteria: Invitae Variant Classification Sherloc (09022015). Collection method: clinical testing. Allele origin: germline.
Comment: This sequence change replaces aspartic acid, which is acidic and polar, with tyrosine, which is neutral and polar, at codon 347 of the TBX3 protein (p.Asp347Tyr). This variant also falls at the last nucleotide of exon 5, which is part of the consensus splice site for this exon. This variant is not present in population databases (gnomAD no frequency). This variant has not been reported in the literature in individuals affected with TBX3-related conditions. An algorithm developed to predict the effect of missense changes on protein structure and function (PolyPhen-2) suggests that this variant is likely to be disruptive. Variants that disrupt the consensus splice site are a relatively common cause of aberrant splicing (PMID: 17576681, 9536098). Algorithms developed to predict the effect of sequence changes on RNA splicing suggest that this variant may disrupt the consensus splice site. In summary, the available evidence is currently insufficient to determine the role of this variant in disease. Therefore, it has been classified as a Variant of Uncertain Significance.

Literature cited by the submitters: PubMed 17576681; PubMed 9536098.

NM_005996.4(TBX3):c.1039G>T (p.Asp347Tyr)

Gene: TBX3 (T-box transcription factor 3; minus strand). Cytogenetic location: 12q24.21.
Variant type: single nucleotide variant.
Coding change: c.1039G>T on transcript NM_005996.4 (MANE Select); coding-DNA position 1039, G replaced by T.
Protein change: p.Asp347Tyr; replaces aspartic acid 347 with tyrosine.
Molecular consequence: missense variant.
Genome position (GRCh38, 1-based): chr12:114,676,313, C>A on the plus strand (G>T on the coding strand, the complement: TBX3 is on the minus strand). VCF-style: chr12-114676313-C-A. GRCh37 (hg19) VCF-style: chr12-115114118-C-A.
Other names: c.1099G>T, p.Asp367Tyr (NM_016569.4); short protein forms D347Y, D367Y.
Identifiers: ClinVar variation 3723655 (VCV003723655.2).